The following is an entry in ClinVar:

ClinVar aggregate classification (germline): Uncertain significance (1 of 4 stars; one submission).

Allele frequency attached by ClinVar (database versions not stated): gnomAD exomes below 0.00001.
gnomAD v4.1: 1 of 1,613,080 alleles (0.000062%); highest among the groups gnomAD compares: East Asian, 0.0022%; no homozygotes.

Submission:

Labcorp Genetics (formerly Invitae), Labcorp
Classification: Uncertain significance. Last evaluated: 2022-06-11. Review status: criteria provided, single submitter. Criteria: Invitae Variant Classification Sherloc (09022015). Collection method: clinical testing. Allele origin: germline.
Comment: This sequence change replaces glutamic acid, which is acidic and polar, with glutamine, which is neutral and polar, at codon 2666 of the ADGRV1 protein (p.Glu2666Gln). This variant is not present in population databases (gnomAD no frequency). This variant has not been reported in the literature in individuals affected with ADGRV1-related conditions. Algorithms developed to predict the effect of missense changes on protein structure and function are either unavailable or do not agree on the potential impact of this missense change (SIFT: "Deleterious"; PolyPhen-2: "Probably Damaging"; Align-GVGD: "Class C0"). In summary, the available evidence is currently insufficient to determine the role of this variant in disease. Therefore, it has been classified as a Variant of Uncertain Significance.

NM_032119.4(ADGRV1):c.7996G>C (p.Glu2666Gln)

Gene: ADGRV1 (adhesion G protein-coupled receptor V1; plus strand). Cytogenetic location: 5q14.3.
Variant type: single nucleotide variant.
Coding change: c.7996G>C on transcript NM_032119.4 (MANE Select); coding-DNA position 7996, G replaced by C.
Protein change: p.Glu2666Gln; replaces glutamic acid 2666 with glutamine.
Molecular consequence: missense variant. On other transcripts: non-coding transcript variant (1).
Genome position (GRCh38, 1-based): chr5:90,696,987, G>C. VCF-style: chr5-90696987-G-C. GRCh37 (hg19) VCF-style: chr5-89992804-G-C.
Other names: short protein forms E2666Q.
Identifiers: ClinVar variation 2004709 (VCV002004709.1), dbSNP rs1747269252, ClinGen allele CA360384627.